The following is an entry in ClinVar:

ClinVar aggregate classification (germline): Uncertain significance. Review status: criteria provided, multiple submitters, no conflicts (2 of 4 stars). 2 submissions from 2 submitters: Uncertain significance (2). Last evaluated 2021-01-14.

Conditions:
Inborn genetic diseases. Identifiers: MedGen C0950123, MeSH D030342.
Charcot-Marie-Tooth disease type 4. Also called: Charcot-Marie-Tooth disease, type IV; Charcot-Marie-Tooth, Type 4. Identifiers: Orphanet 64749, MedGen C4082197, MONDO:0018995.

Submissions (2):

Labcorp Genetics (formerly Invitae), Labcorp
Classification: Uncertain significance for Charcot-Marie-Tooth disease type 4. Last evaluated: 2021-01-14. Review status: criteria provided, single submitter. Criteria: Invitae Variant Classification Sherloc (09022015). Collection method: clinical testing. Allele origin: germline.
Comment: This sequence change replaces aspartic acid with tyrosine at codon 614 of the SH3TC2 protein (p.Asp614Tyr). The aspartic acid residue is moderately conserved and there is a large physicochemical difference between aspartic acid and tyrosine. This variant is not present in population databases (ExAC no frequency). This variant has not been reported in the literature in individuals with SH3TC2-related conditions. Advanced modeling of protein sequence and biophysical properties (such as structural, functional, and spatial information, amino acid conservation, physicochemical variation, residue mobility, and thermodynamic stability) performed at Invitae indicates that this missense variant is not expected to disrupt SH3TC2 protein function. In summary, the available evidence is currently insufficient to determine the role of this variant in disease. Therefore, it has been classified as a Variant of Uncertain Significance.

Ambry Genetics
Classification: Uncertain significance for Inborn genetic diseases. Last evaluated: 2020-12-28. Review status: criteria provided, single submitter. Criteria: Ambry Variant Classification Scheme 2023. Collection method: clinical testing. Allele origin: germline.
Comment: The p.D614Y variant (also known as c.1840G>T), located in coding exon 11 of the SH3TC2 gene, results from a G to T substitution at nucleotide position 1840. The aspartic acid at codon 614 is replaced by tyrosine, an amino acid with highly dissimilar properties. This amino acid position is not well conserved in available vertebrate species. In addition, the in silico prediction for this alteration is inconclusive. Since supporting evidence is limited at this time, the clinical significance of this alteration remains unclear.

NM_024577.4(SH3TC2):c.1840G>T (p.Asp614Tyr)

Gene: SH3TC2 (SH3 domain and tetratricopeptide repeats 2; minus strand). Cytogenetic location: 5q32.
Variant type: single nucleotide variant.
Coding change: c.1840G>T on transcript NM_024577.4 (MANE Select); coding-DNA position 1840, G replaced by T.
Protein change: p.Asp614Tyr; replaces aspartic acid 614 with tyrosine.
Molecular consequence: missense variant.
Genome position (GRCh38, 1-based): chr5:149,027,892, C>A on the plus strand (G>T on the coding strand, the complement: SH3TC2 is on the minus strand). VCF-style: chr5-149027892-C-A. GRCh37 (hg19) VCF-style: chr5-148407455-C-A.
Other names: short protein forms D614Y.
Identifiers: ClinVar variation 1435756 (VCV001435756.10), dbSNP rs201789838, ClinGen allele CA361667615.
Genomic context (GRCh38, chr5:149,027,892, plus strand): 5'-TGGCCTCCAGCGGGCTGCTGCCCACCACAATCCCCTGGCGCAGCACGTAGGCCACCACGT[C>A]GAGTTCATGCTTGGCACTAGACTCACGGTCAGGCAGGCAGGCCAGCAGGGCACCTGCCTT-3'
Protein context (NP_078853.2, residues 604-624): DRESSAKHEL[Asp614Tyr]VVAYVLRQGI